The following is an entry in ClinVar:

ClinVar aggregate classification (germline): Uncertain significance (1 of 4 stars; one submission).

Conditions:
X-linked myopathy with postural muscle atrophy. Also called: FHL1-Related Emery-Dreifuss Muscular Dystrophy, X-Linked. Identifiers: Orphanet 178461, MedGen C2678055, MONDO:0010401, OMIM 300696.

Submission:

Labcorp Genetics (formerly Invitae), Labcorp
Classification: Uncertain significance for X-linked myopathy with postural muscle atrophy. Last evaluated: 2025-06-07. Review status: criteria provided, single submitter. Criteria: Invitae Variant Classification Sherloc (09022015). Collection method: clinical testing. Allele origin: germline.
Comment: This sequence change replaces cysteine, which is neutral and slightly polar, with phenylalanine, which is neutral and non-polar, at codon 65 of the FHL1 protein (p.Cys65Phe). This variant is not present in population databases (gnomAD no frequency). This variant has not been reported in the literature in individuals affected with FHL1-related conditions. An algorithm developed to predict the effect of missense changes on protein structure and function (PolyPhen-2) suggests that this variant is likely to be disruptive. In summary, the available evidence is currently insufficient to determine the role of this variant in disease. Therefore, it has been classified as a Variant of Uncertain Significance.

NM_001159699.2(FHL1):c.242G>T (p.Cys81Phe)

Gene: FHL1 (four and a half LIM domains 1; plus strand). Cytogenetic location: Xq26.3.
Variant type: single nucleotide variant.
Coding change: c.242G>T on transcript NM_001159699.2 (MANE Select); coding-DNA position 242, G replaced by T.
Protein change: p.Cys81Phe; replaces cysteine 81 with phenylalanine.
Molecular consequence: missense variant. On other transcripts: non-coding transcript variant (1).
Genome position (GRCh38, 1-based): chrX:136,207,053, G>T. VCF-style: chrX-136207053-G-T. GRCh37 (hg19) VCF-style: chrX-135289212-G-T.
Other names: c.194G>T, p.Cys65Phe (NM_001159700.2, NM_001159702.3, NM_001159703.2 and 9 more transcripts); c.281G>T, p.Cys94Phe (NM_001159701.2); c.242G>T, p.Cys81Phe (NM_001330659.2, NM_001440769.1); short protein forms C81F, C94F, C65F.
Identifiers: ClinVar variation 4720931 (VCV004720931.1).